The following is an entry in ClinVar:

NM_004273.5(CHST3):c.*2170T>G

Gene: CHST3 (carbohydrate sulfotransferase 3; plus strand). Cytogenetic location: 10q22.1.
Variant type: single nucleotide variant.
Coding change: c.*2170T>G on transcript NM_004273.5 (MANE Select); 2170 bases downstream of the stop codon, T replaced by G.
Molecular consequence: 3 prime UTR variant.
Genome position (GRCh38, 1-based): chr10:72,010,641, T>G. VCF-style: chr10-72010641-T-G. GRCh37 (hg19) VCF-style: chr10-73770399-T-G.
Identifiers: ClinVar variation 879006 (VCV000879006.4), dbSNP rs79099269, ClinGen allele CA209480134.

ClinVar aggregate classification (germline): Benign (1 of 4 stars; one submission).

Conditions:
Spondyloepiphyseal dysplasia with congenital joint dislocations (SEDCJD). Also called: Chondrodysplasia with Congenital Joint Dislocations, CHST3-Related. Identifiers: Orphanet 263463, MedGen C1837657, MONDO:0007738, OMIM 143095.

Allele frequency attached by ClinVar (database versions not stated): gnomAD 0.00918 and 0.00981; TOPMed 0.01009; 1000 Genomes Project 0.01038; 1000 Genomes Project 30x 0.01140.

Submission:

Illumina Laboratory Services, Illumina
Classification: Benign for Spondyloepiphyseal dysplasia with congenital joint dislocations. Last evaluated: 2018-01-12. Review status: criteria provided, single submitter. Criteria: ICSL Variant Classification Criteria 13 December 2019. Collection method: clinical testing. Allele origin: germline.
Comment: This variant was observed in the ICSL laboratory as part of a predisposition screen in an ostensibly healthy population. It had not been previously curated by ICSL or reported in the Human Gene Mutation Database (HGMD: prior to June 1st, 2018), and was therefore a candidate for classification through an automated scoring system. Utilizing variant allele frequency, disease prevalence and penetrance estimates, and inheritance mode, an automated score was calculated to assess if this variant is too frequent to cause the disease. Based on the score and internal cut-off values, a variant classified as benign is not then subjected to further curation. The score for this variant resulted in a classification of benign for this disease.